The following is an entry in ClinVar:

ClinVar aggregate classification (germline): Uncertain significance (1 of 4 stars; one submission).

Conditions:
Autosomal recessive distal spinal muscular atrophy 2. Also called: NEURONOPATHY, DISTAL HEREDITARY MOTOR, JERASH TYPE; NEUROPATHY, DISTAL HEREDITARY MOTOR, JERASH TYPE; SPINAL MUSCULAR ATROPHY, JERASH TYPE; NEUROPATHY, DISTAL HEREDITARY MOTOR, AUTOSOMAL RECESSIVE 2; Hereditary motor neuropathy, Jerash type; Motor neuropathy, distal, Jerash type. Identifiers: Orphanet 139552, MedGen C1854023, MONDO:0011585, OMIM 605726.
Amyotrophic lateral sclerosis type 16. Also called: AMYOTROPHIC LATERAL SCLEROSIS 16, JUVENILE. Identifiers: Orphanet 300605, MedGen C3280587, MONDO:0013715, OMIM 614373.

Allele frequency attached by ClinVar (database versions not stated): TOPMed 0.00002; gnomAD exomes 0.00013; ExAC 0.00047; gnomAD below 0.00001 and 0.00003.
gnomAD v4.1: 93 of 1,543,452 alleles (0.006%); highest among the groups gnomAD compares: South Asian, 0.11%; no homozygotes.

Submission:

Labcorp Genetics (formerly Invitae), Labcorp
Classification: Uncertain significance for Autosomal recessive distal spinal muscular atrophy 2; Amyotrophic lateral sclerosis type 16. Last evaluated: 2021-12-27. Review status: criteria provided, single submitter. Criteria: Invitae Variant Classification Sherloc (09022015). Collection method: clinical testing. Allele origin: germline.
Comment: This sequence change replaces glutamine, which is neutral and polar, with histidine, which is basic and polar, at codon 24 of the SIGMAR1 protein (p.Gln24His). This variant is present in population databases (rs764002616, gnomAD 0.08%). This variant has not been reported in the literature in individuals affected with SIGMAR1-related conditions. ClinVar contains an entry for this variant (Variation ID: 1000696). Algorithms developed to predict the effect of missense changes on protein structure and function are either unavailable or do not agree on the potential impact of this missense change (SIFT: "Tolerated"; PolyPhen-2: "Probably Damaging"; Align-GVGD: "Class C0"). In summary, the available evidence is currently insufficient to determine the role of this variant in disease. Therefore, it has been classified as a Variant of Uncertain Significance.

NM_005866.4(SIGMAR1):c.72G>C (p.Gln24His)

Genes: SIGMAR1 (sigma receptor chaperone 1; minus strand), LOC130001681 (ATAC-STARR-seq lymphoblastoid silent region 19853; plus strand). Cytogenetic location: 9p13.3.
Variant type: single nucleotide variant.
Coding change: c.72G>C on transcript NM_005866.4 (MANE Select); coding-DNA position 72, G replaced by C.
Protein change: p.Gln24His; replaces glutamine 24 with histidine.
Molecular consequence: missense variant. On other transcripts: 5 prime UTR variant (1), non-coding transcript variant (1).
Genome position (GRCh38, 1-based): chr9:34,637,626, C>G on the plus strand (G>C on the coding strand, the complement: SIGMAR1 is on the minus strand). VCF-style: chr9-34637626-C-G. GRCh37 (hg19) VCF-style: chr9-34637623-C-G.
Other names: c.72G>C, p.Gln24His (NM_001282205.2, NM_001282207.2, NM_001282208.2 and 2 more transcripts); c.-182G>C (NM_001282206.2); short protein forms Q24H.
Identifiers: ClinVar variation 1000696 (VCV001000696.6), dbSNP rs764002616, ClinGen allele CA5035961.